The following is an entry in ClinVar:

ClinVar aggregate classification (germline): Uncertain significance (1 of 4 stars; one submission).

Conditions:
Inborn genetic diseases. Identifiers: MedGen C0950123, MeSH D030342.

Submission:

Ambry Genetics
Classification: Uncertain significance for Inborn genetic diseases. Last evaluated: 2025-04-05. Review status: criteria provided, single submitter. Criteria: Ambry Variant Classification Scheme 2023. Collection method: clinical testing. Allele origin: germline.
Comment: The p.A732S variant (also known as c.2194G>T), located in coding exon 24 of the FANCA gene, results from a G to T substitution at nucleotide position 2194. The alanine at codon 732 is replaced by serine, an amino acid with similar properties. This amino acid position is conserved. In addition, this alteration is predicted to be tolerated by in silico analysis. Based on the available evidence, the clinical significance of this variant remains unclear.

NM_000135.4(FANCA):c.2194G>T (p.Ala732Ser)

Gene: FANCA (FA complementation group A; minus strand). Cytogenetic location: 16q24.3.
Variant type: single nucleotide variant.
Coding change: c.2194G>T on transcript NM_000135.4 (MANE Select); coding-DNA position 2194, G replaced by T.
Protein change: p.Ala732Ser; replaces alanine 732 with serine.
Molecular consequence: missense variant.
Genome position (GRCh38, 1-based): chr16:89,770,592, C>A on the plus strand (G>T on the coding strand, the complement: FANCA is on the minus strand). VCF-style: chr16-89770592-C-A. GRCh37 (hg19) VCF-style: chr16-89837000-C-A.
Other names: c.2194G>T, p.Ala732Ser (NM_001286167.3); short protein forms A732S.
Identifiers: ClinVar variation 4022155 (VCV004022155.1).